The following is an entry in ClinVar:

NM_003482.4(KMT2D):c.8775G>A (p.Ala2925=)

Gene: KMT2D (lysine methyltransferase 2D; minus strand). Cytogenetic location: 12q13.12.
Variant type: single nucleotide variant.
Coding change: c.8775G>A on transcript NM_003482.4 (MANE Select); coding-DNA position 8775, G replaced by A.
Protein change: p.Ala2925=; no amino-acid change (alanine 2925 retained).
Molecular consequence: synonymous variant.
Genome position (GRCh38, 1-based): chr12:49,038,581, C>T on the plus strand (G>A on the coding strand, the complement: KMT2D is on the minus strand). VCF-style: chr12-49038581-C-T. GRCh37 (hg19) VCF-style: chr12-49432364-C-T.
Identifiers: ClinVar variation 2136388 (VCV002136388.30), dbSNP rs200797750, ClinGen allele CA6546796.

ClinVar aggregate classification (germline): Benign/Likely benign. Review status: criteria provided, multiple submitters, no conflicts (2 of 4 stars). 4 submissions from 4 submitters: Benign (1); Likely benign (2). 1 of the submissions does not count toward it. Last evaluated 2026-06-01.

Conditions:
KMT2D-related disorder. Also called: KMT2D-Related Disorders.
Kabuki syndrome. Also called: NIIKAWA-KUROKI SYNDROME; Kabuki make-up syndrome. Identifiers: Orphanet 2322, MedGen C0796004, MONDO:0016512.

Allele frequency attached by ClinVar (database versions not stated): 1000 Genomes Project 30x 0.00016; 1000 Genomes Project 0.00020.
gnomAD v4.1: 104 of 1,612,514 alleles (0.0064%); highest among the groups gnomAD compares: South Asian, 0.091%; 3 homozygotes.

Submissions (4):

CeGaT Center for Human Genetics Tuebingen
Classification: Likely benign. Last evaluated: 2026-06-01. Review status: criteria provided, single submitter. Criteria: CeGaT Center For Human Genetics Tuebingen Variant Classification Criteria Version 2. Collection method: clinical testing. Allele origin: germline. Affected: yes. Observed: 2 variant alleles.
Comment: KMT2D: BP4, BP7

Labcorp Genetics (formerly Invitae), Labcorp
Classification: Benign for Kabuki syndrome. Last evaluated: 2025-10-10. Review status: criteria provided, single submitter. Criteria: Invitae Variant Classification Sherloc (09022015). Collection method: clinical testing. Allele origin: germline.

Blueprint Genetics
Classification: Likely benign. Last evaluated: 2023-04-26. Review status: criteria provided, single submitter. Criteria: ACMG Guidelines, 2015. Collection method: clinical testing. Allele origin: germline.

PreventionGenetics, part of Exact Sciences
Classification: Likely benign for KMT2D-related condition. Last evaluated: 2019-07-01. Review status: no assertion criteria provided. Collection method: clinical testing. Allele origin: germline. Not counted in ClinVar's aggregate classification.
Comment: This variant is classified as likely benign based on ACMG/AMP sequence variant interpretation guidelines (Richards et al. 2015 PMID: 25741868, with internal and published modifications).